The following is an entry in ClinVar:

ClinVar aggregate classification (germline): Uncertain significance. Review status: criteria provided, multiple submitters, no conflicts (2 of 4 stars). 4 submissions from 4 submitters: Uncertain significance (3). 1 of the submissions does not count toward it. Last evaluated 2026-06-06.

Conditions:
Inborn genetic diseases. Identifiers: MedGen C0950123, MeSH D030342.
Nephronophthisis. Also called: Juvenile Nephronophthisis. Identifiers: Orphanet 655, MedGen C0687120, MONDO:0019005, HP:0000090.
NPHP1-related disorder. Also called: NPHP1-related disorders; NPHP1-related condition.

Allele frequency attached by ClinVar (database versions not stated): TOPMed 0.00010.

Submissions (4):

GeneDx
Classification: Uncertain significance. Last evaluated: 2026-06-06. Review status: criteria provided, single submitter. Criteria: GeneDx Variant Classification Process June 2021. Collection method: clinical testing. Allele origin: germline.
Comment: In silico analysis suggests that this missense variant does not alter protein structure/function; Has not been previously published as pathogenic or benign to our knowledge

Ambry Genetics
Classification: Uncertain significance for Inborn genetic diseases. Last evaluated: 2024-10-20. Review status: criteria provided, single submitter. Criteria: Ambry Variant Classification Scheme 2023. Collection method: clinical testing. Allele origin: germline.

Labcorp Genetics (formerly Invitae), Labcorp
Classification: Uncertain significance for Nephronophthisis. Last evaluated: 2022-08-22. Review status: criteria provided, single submitter. Criteria: Invitae Variant Classification Sherloc (09022015). Collection method: clinical testing. Allele origin: germline.
Comment: This sequence change replaces arginine, which is basic and polar, with histidine, which is basic and polar, at codon 445 of the NPHP1 protein (p.Arg445His). This variant is present in population databases (rs140979636, gnomAD 0.03%). This variant has not been reported in the literature in individuals affected with NPHP1-related conditions. ClinVar contains an entry for this variant (Variation ID: 1040680). Algorithms developed to predict the effect of missense changes on protein structure and function are either unavailable or do not agree on the potential impact of this missense change (SIFT: "Tolerated"; PolyPhen-2: "Possibly Damaging"; Align-GVGD: "Class C0"). In summary, the available evidence is currently insufficient to determine the role of this variant in disease. Therefore, it has been classified as a Variant of Uncertain Significance.

PreventionGenetics, part of Exact Sciences
Classification: Uncertain significance for NPHP1-related condition. Last evaluated: 2024-09-12. Review status: no assertion criteria provided. Collection method: clinical testing. Allele origin: germline. Not counted in ClinVar's aggregate classification.
Comment: The NPHP1 c.1334G>A variant is predicted to result in the amino acid substitution p.Arg445His. To our knowledge, this variant has not been reported in the literature. This variant is reported in 0.025% of alleles in individuals of Latino descent in gnomAD. At this time, the clinical significance of this variant is uncertain due to the absence of conclusive functional and genetic evidence.

NM_001128178.3(NPHP1):c.1166G>A (p.Arg389His)

Gene: NPHP1 (nephrocystin 1; minus strand). Cytogenetic location: 2q13.
Variant type: single nucleotide variant.
Coding change: c.1166G>A on transcript NM_001128178.3 (MANE Select); coding-DNA position 1166, G replaced by A.
Protein change: p.Arg389His; replaces arginine 389 with histidine.
Molecular consequence: missense variant.
Genome position (GRCh38, 1-based): chr2:110,148,019, C>T on the plus strand (G>A on the coding strand, the complement: NPHP1 is on the minus strand). VCF-style: chr2-110148019-C-T. GRCh37 (hg19) VCF-style: chr2-110905596-C-T.
Other names: c.1334G>A, p.Arg445His (NM_000272.5); c.977G>A, p.Arg326His (NM_001128179.3); c.1163G>A, p.Arg388His (NM_001374256.1); c.1166G>A, p.Arg389His (NM_001374257.1); c.1331G>A, p.Arg444His (NM_207181.4); c.1334G>A (NM_000272.3); short protein forms R326H, R389H, R445H, R388H, R444H.
Identifiers: ClinVar variation 1040680 (VCV001040680.10), dbSNP rs140979636, ClinGen allele CA1827098.